The following is an entry in ClinVar:

ClinVar aggregate classification (germline): Uncertain significance (1 of 4 stars; one submission).

Allele frequency attached by ClinVar (database versions not stated): gnomAD exomes 0.00001.
gnomAD v4.1: 9 of 1,591,724 alleles (0.00057%); highest among the groups gnomAD compares: Non-Finnish European, 0.00077%; no homozygotes.

Submission:

ARUP Laboratories, Molecular Genetics and Genomics, ARUP Laboratories
Classification: Uncertain significance. Last evaluated: 2018-11-24. Review status: criteria provided, single submitter. Criteria: ARUP Molecular Germline Variant Investigation Process. Collection method: clinical testing. Allele origin: germline.
Comment: The TNFRSF1A c.1217C>T; p.Thr406Ile variant, to our knowledge, is not reported in the medical literature or in gene-specific databases. The variant is also absent from general population databases (1000 Genomes Project, Exome Variant Server, and Genome Aggregation Database), indicating it is not a common polymorphism. The threonine at this position is weakly conserved and computational analyses (SIFT, PolyPhen2) predict that this variant is tolerated. Additionally, there are few known pathogenic variants in this region of the protein (Lobito 2011). Based on available information, the clinical significance of this variant is uncertain. References: Lobito AA et al. Disease causing mutations in the TNF and TNFR superfamilies: Focus on molecular mechanisms driving disease. Trends Mol Med. 2011 Sep;17(9):494-505.

NM_001065.4(TNFRSF1A):c.1217C>T (p.Thr406Ile)

Gene: TNFRSF1A (TNF receptor superfamily member 1A; minus strand). Cytogenetic location: 12p13.31.
Variant type: single nucleotide variant.
Coding change: c.1217C>T on transcript NM_001065.4 (MANE Select); coding-DNA position 1217, C replaced by T.
Protein change: p.Thr406Ile; replaces threonine 406 with isoleucine.
Molecular consequence: missense variant. On other transcripts: non-coding transcript variant (1).
Genome position (GRCh38, 1-based): chr12:6,329,463, G>A on the plus strand (C>T on the coding strand, the complement: TNFRSF1A is on the minus strand). VCF-style: chr12-6329463-G-A. GRCh37 (hg19) VCF-style: chr12-6438629-G-A.
Other names: c.893C>T, p.Thr298Ile (NM_001346091.2); c.758C>T, p.Thr253Ile (NM_001346092.2); short protein forms T253I, T298I, T406I.
Identifiers: ClinVar variation 811197 (VCV000811197.8), dbSNP rs1592043182, ClinGen allele CA383544793.